The following is an entry in ClinVar:

NM_001144967.3(NEDD4L):c.160G>A (p.Glu54Lys)

Gene: NEDD4L (NEDD4 like E3 ubiquitin protein ligase; plus strand). Cytogenetic location: 18q21.31.
Variant type: single nucleotide variant.
Coding change: c.160G>A on transcript NM_001144967.3 (MANE Select); coding-DNA position 160, G replaced by A.
Protein change: p.Glu54Lys; replaces glutamic acid 54 with lysine.
Molecular consequence: missense variant. On other transcripts: 5 prime UTR variant (5).
Genome position (GRCh38, 1-based): chr18:58,245,464, G>A. VCF-style: chr18-58245464-G-A. GRCh37 (hg19) VCF-style: chr18-55912696-G-A.
Other names: c.-204G>A (NM_001144964.1, NM_001144965.2, NM_001144966.3 and 2 more transcripts); c.136G>A, p.Glu46Lys (NM_001144968.2, NM_001144969.2); c.160G>A, p.Glu54Lys (NM_001243960.2, NM_015277.6); short protein forms E46K, E54K.
Identifiers: ClinVar variation 3392664 (VCV003392664.1).

ClinVar aggregate classification (germline): Uncertain significance (1 of 4 stars; one submission).

gnomAD v4.1: 8 of 1,585,474 alleles (0.0005%); highest among the groups gnomAD compares: East Asian, 0.0023%; no homozygotes.

Submission:

GeneDx
Classification: Uncertain significance. Last evaluated: 2024-06-24. Review status: criteria provided, single submitter. Criteria: GeneDx Variant Classification Process June 2021. Collection method: clinical testing. Allele origin: germline. Affected: yes.
Comment: In silico analysis indicates that this missense variant does not alter protein structure/function; Has not been previously published as pathogenic or benign to our knowledge